The following is an entry in ClinVar:

NM_020944.3(GBA2):c.515G>T (p.Arg172Leu)

Gene: GBA2 (glucosylceramidase beta 2; minus strand). Cytogenetic location: 9p13.3.
Variant type: single nucleotide variant.
Coding change: c.515G>T on transcript NM_020944.3 (MANE Select); coding-DNA position 515, G replaced by T.
Protein change: p.Arg172Leu; replaces arginine 172 with leucine.
Molecular consequence: missense variant.
Genome position (GRCh38, 1-based): chr9:35,744,349, C>A on the plus strand (G>T on the coding strand, the complement: GBA2 is on the minus strand). VCF-style: chr9-35744349-C-A. GRCh37 (hg19) VCF-style: chr9-35744346-C-A.
Other names: c.515G>T, p.Arg172Leu (NM_001330660.2); short protein forms R172L.
Identifiers: ClinVar variation 458304 (VCV000458304.9), dbSNP rs200268523, ClinGen allele CA373419032.

ClinVar aggregate classification (germline): Conflicting classifications of pathogenicity. Review status: criteria provided, conflicting classifications (1 of 4 stars). 2 submissions from 2 submitters: Likely pathogenic (1); Uncertain significance (1). Last evaluated 2022-09-19.

Conditions:
Spastic paraplegia. Identifiers: MedGen C0037772, HP:0001258.

gnomAD v4.1: 1 of 1,613,592 alleles (0.000062%); highest among the groups gnomAD compares: Non-Finnish European, 0.000085%; no homozygotes.

Submissions (2):

Labcorp Genetics (formerly Invitae), Labcorp
Classification: Likely pathogenic for Spastic paraplegia. Last evaluated: 2022-09-19. Review status: criteria provided, single submitter. Criteria: Invitae Variant Classification Sherloc (09022015). Collection method: clinical testing. Allele origin: germline.
Comment: In summary, the currently available evidence indicates that the variant is pathogenic, but additional data are needed to prove that conclusively. Therefore, this variant has been classified as Likely Pathogenic. This variant disrupts the p.Arg172 amino acid residue in GBA2. Other variant(s) that disrupt this residue have been determined to be pathogenic (PMID: 32590105; Invitae). This suggests that this residue is clinically significant, and that variants that disrupt this residue are likely to be disease-causing. Algorithms developed to predict the effect of sequence changes on RNA splicing suggest that this variant may disrupt the consensus splice site. Advanced modeling of protein sequence and biophysical properties (such as structural, functional, and spatial information, amino acid conservation, physicochemical variation, residue mobility, and thermodynamic stability) has been performed at Invitae for this missense variant, however the output from this modeling did not meet the statistical confidence thresholds required to predict the impact of this variant on GBA2 protein function. ClinVar contains an entry for this variant (Variation ID: 458304). This missense change has been observed in individuals with clinical features of hereditary spastic paraplegia (Invitae). This variant is not present in population databases (gnomAD no frequency). This sequence change replaces arginine, which is basic and polar, with leucine, which is neutral and non-polar, at codon 172 of the GBA2 protein (p.Arg172Leu).

Blueprint Genetics
Classification: Uncertain significance. Last evaluated: 2021-12-16. Review status: criteria provided, single submitter. Criteria: ACMG Guidelines, 2015. Collection method: clinical testing. Allele origin: germline.

Literature cited by the submitters: PubMed 32590105 (cited by Labcorp Genetics (formerly Invitae), Labcorp).